The following is an entry in ClinVar:

ClinVar aggregate classification (germline): Likely pathogenic (1 of 4 stars; one submission).

Conditions:
DSP-related disorder. Also called: DSP-related condition; DSP-related disorders.

Submission:

PreventionGenetics, part of Exact Sciences
Classification: Likely pathogenic for DSP-related condition. Last evaluated: 2023-07-05. Review status: criteria provided, single submitter. Criteria: ACMG Guidelines, 2015. Collection method: clinical testing. Allele origin: germline.
Comment: The DSP c.243delC variant is predicted to result in premature protein termination (p.Leu82*). To our knowledge, this variant has not been reported in the literature or in a large population database, indicating this variant is rare. Nonsense variants in DSP are expected to be pathogenic. This variant is interpreted as likely pathogenic.

NM_004415.4(DSP):c.243del (p.Cys81_Leu82insTer)

Gene: DSP (desmoplakin; plus strand). Cytogenetic location: 6p24.3.
Variant type: Deletion.
Coding change: c.243del on transcript NM_004415.4 (MANE Select); coding-DNA position 243, one base deleted (C; older notation c.243delC).
Protein change: p.Cys81_Leu82insTer.
Molecular consequence: frameshift variant.
Genome position (GRCh38, 1-based): chr6:7,555,790, C deleted. VCF-style (leftmost placement, unchanged base first): chr6-7555789-GC-G. GRCh37 (hg19) VCF-style: chr6-7556022-GC-G.
Other names: c.243del, p.Cys81_Leu82insTer (NM_001008844.3, NM_001319034.2, NM_001406591.1).
Identifiers: ClinVar variation 2632674 (VCV002632674.1), dbSNP rs2533842417, ClinGen allele CA2695198806.
Genomic context (GRCh38, chr6:7,555,789, plus strand): 5'-CGATGTCCAGGCACCAGAACCAGAACACCATCCAGGAGCTGCTGCAGAACTGCTCCGACT[GC>G]TTGATGCGAGCAGAGCTCATCGTGCAGCCTGTAAGCTTTCCCTGTTCCCATCGCTTCTCC-3'